The following is an entry in ClinVar:

ClinVar aggregate classification (germline): Pathogenic/Likely pathogenic. Review status: criteria provided, multiple submitters, no conflicts (2 of 4 stars). 2 submissions from 2 submitters: Pathogenic (1); Likely pathogenic (1). Last evaluated 2025-02-21.

Conditions:
Deficiency of acetyl-CoA acetyltransferase. Also called: 3-KETOTHIOLASE DEFICIENCY; 3-OXOTHIOLASE DEFICIENCY; MITOCHONDRIAL ACETOACETYL-CoA THIOLASE DEFICIENCY; Beta-ketothiolase deficiency. Identifiers: Orphanet 134, MedGen C1536500, MONDO:0008760, OMIM 203750. Disease mechanism: loss of function.

Submissions (2):

Natera, Inc.
Classification: Likely pathogenic for Alpha-methylacetoacetic aciduria. Last evaluated: 2025-02-21. Review status: criteria provided, single submitter. Criteria: Natera Variant Classification Schema (03/2026). Collection method: clinical testing. Allele origin: germline.
Comment: The c.1128_1131dup variant in ACAT1 is a frameshift variant predicted to elongate the protein beyond the termination codon. This variant is expected to result in nonsense mediated decay, truncation, or a dysfunctional protein product. This variant is rare in the general population with a frequency below the threshold expected for the associated phenotype(s). Given the available evidence, this variant is classified as Likely Pathogenic.

Labcorp Genetics (formerly Invitae), Labcorp
Classification: Pathogenic for Deficiency of acetyl-CoA acetyltransferase. Last evaluated: 2021-05-18. Review status: criteria provided, single submitter. Criteria: Invitae Variant Classification Sherloc (09022015). Collection method: clinical testing. Allele origin: germline.
Comment: For these reasons, this variant has been classified as Pathogenic. This variant results in an extension of the ACAT1 protein. Other variant(s) that result in a similarly extended protein product (p.Gln404Hisfs*66) have been determined to be pathogenic (Invitae). This suggests that these extensions are likely to be causative of disease. This variant has not been reported in the literature in individuals with ACAT1-related conditions. This variant is not present in population databases (ExAC no frequency). This sequence change results in a frameshift in the ACAT1 gene (p.Gly378Glnfs*83). While this is not anticipated to result in nonsense mediated decay, it is expected to disrupt the last 50 amino acid(s) of the ACAT1 protein and extend the protein by 32 additional amino acid residues.

NM_000019.4(ACAT1):c.1128_1131dup (p.Gly378fs)

Gene: ACAT1 (acetyl-CoA acetyltransferase 1; plus strand). Cytogenetic location: 11q22.3.
Variant type: Duplication.
Coding change: c.1128_1131dup on transcript NM_000019.4 (MANE Select); coding-DNA positions 1128 to 1131, 4 bases duplicated (CAAT; older notation c.1128_1131dupCAAT).
Protein change: p.Gly378fs; shifts the reading frame from glycine 378.
Molecular consequence: frameshift variant. On other transcripts: non-coding transcript variant (2).
Genome position (GRCh38, 1-based): chr11:108,146,324-108,146,327, CAAT duplicated; duplicating any 4 consecutive bases within chr11:108,146,322-108,146,327 gives the same sequence; the c. name uses the placement nearest the transcript's 3' end. VCF-style (leftmost placement, unchanged base first): chr11-108146321-T-TATCA. GRCh37 (hg19) VCF-style: chr11-108017048-T-TATCA.
Other names: c.1128_1131dup (NM_000019.3); c.1128_1131dup, p.Gly378fs (NM_001386677.1); c.813_816dup, p.Gly273fs (NM_001386678.1); c.831_834dup, p.Gly279fs (NM_001386679.1); c.858_861dup, p.Gly288fs (NM_001386681.1, NM_001386682.1, NM_001386685.1 and 6 more transcripts); short protein forms G288fs, G378fs, G273fs, G279fs.
Identifiers: ClinVar variation 1438212 (VCV001438212.10), dbSNP rs2134791752, ClinGen allele CA2573146383.